The following is an entry in ClinVar:

NM_006231.4(POLE):c.5390G>T (p.Ser1797Ile)

Gene: POLE (DNA polymerase epsilon, catalytic subunit; minus strand). Cytogenetic location: 12q24.33.
Variant type: single nucleotide variant.
Coding change: c.5390G>T on transcript NM_006231.4 (MANE Select); coding-DNA position 5390, G replaced by T.
Protein change: p.Ser1797Ile; replaces serine 1797 with isoleucine.
Molecular consequence: missense variant.
Genome position (GRCh38, 1-based): chr12:132,639,287, C>A on the plus strand (G>T on the coding strand, the complement: POLE is on the minus strand). VCF-style: chr12-132639287-C-A. GRCh37 (hg19) VCF-style: chr12-133215873-C-A.
Other names: short protein forms S1797I.
Identifiers: ClinVar variation 1223568 (VCV001223568.12), dbSNP rs749755939, ClinGen allele CA387375120.

ClinVar aggregate classification (germline): Uncertain significance. Review status: criteria provided, multiple submitters, no conflicts (2 of 4 stars). 3 submissions from 3 submitters: Uncertain significance (3). Last evaluated 2024-06-23.

Conditions:
Hereditary cancer-predisposing syndrome. Also called: Neoplastic Syndromes, Hereditary; Tumor predisposition; Hereditary neoplastic syndrome; Hereditary Cancer Syndrome. Identifiers: Orphanet 140162, MedGen C0027672, MeSH D009386, MONDO:0015356.

Allele frequency attached by ClinVar (database versions not stated): gnomAD 0.00001.
gnomAD v4.1: 4 of 1,613,816 alleles (0.00025%); highest among the groups gnomAD compares: African/African-American, 0.004%; no homozygotes.

Submissions (3):

Ambry Genetics
Classification: Uncertain significance for Hereditary cancer-predisposing syndrome. Last evaluated: 2024-06-23. Review status: criteria provided, single submitter. Criteria: Ambry Variant Classification Scheme 2023. Collection method: clinical testing. Allele origin: germline.
Comment: The p.S1797I variant (also known as c.5390G>T), located in coding exon 40 of the POLE gene, results from a G to T substitution at nucleotide position 5390. The serine at codon 1797 is replaced by isoleucine, an amino acid with dissimilar properties. This amino acid position is conserved. In addition, the in silico prediction for this alteration is inconclusive. Since supporting evidence is limited at this time, the clinical significance of this alteration remains unclear.

Labcorp Genetics (formerly Invitae), Labcorp
Classification: Uncertain significance. Last evaluated: 2023-10-08. Review status: criteria provided, single submitter. Criteria: Invitae Variant Classification Sherloc (09022015). Collection method: clinical testing. Allele origin: germline.
Comment: This sequence change replaces serine, which is neutral and polar, with isoleucine, which is neutral and non-polar, at codon 1797 of the POLE protein (p.Ser1797Ile). This variant is not present in population databases (gnomAD no frequency). This variant has not been reported in the literature in individuals affected with POLE-related conditions. ClinVar contains an entry for this variant (Variation ID: 1223568). Advanced modeling of protein sequence and biophysical properties (such as structural, functional, and spatial information, amino acid conservation, physicochemical variation, residue mobility, and thermodynamic stability) performed at Invitae indicates that this missense variant is not expected to disrupt POLE protein function. In summary, the available evidence is currently insufficient to determine the role of this variant in disease. Therefore, it has been classified as a Variant of Uncertain Significance.

GeneDx
Classification: Uncertain significance. Last evaluated: 2020-01-22. Review status: criteria provided, single submitter. Criteria: GeneDx Variant Classification Process June 2021. Collection method: clinical testing. Allele origin: germline. Affected: yes.
Comment: In silico analysis, which includes protein predictors and evolutionary conservation, supports a deleterious effect; Has not been previously published as pathogenic or benign to our knowledge